The following is an entry in ClinVar:

NC_000003.11:g.(?_58062753)_(58064561_?)del

Gene: FLNB (filamin B; plus strand). Cytogenetic location: 3p14.3.
Variant type: Deletion.
Identifiers: ClinVar variation 3246974 (VCV003246974.1).

ClinVar aggregate classification (germline): Pathogenic (1 of 4 stars; one submission).

Submission:

Labcorp Genetics (formerly Invitae), Labcorp
Classification: Pathogenic. Last evaluated: 2023-06-16. Review status: criteria provided, single submitter. Criteria: Invitae Variant Classification Sherloc (09022015). Collection method: clinical testing. Allele origin: unknown.
Comment: For these reasons, this variant has been classified as Pathogenic. This variant has not been reported in the literature in individuals affected with FLNB-related conditions. This variant is a gross deletion of the genomic region encompassing exon(s) 2-3 of the FLNB gene. This deletion is out-of-frame, and is expected to create a premature termination codon and result in an absent or disrupted protein product. Loss-of-function variants in FLNB are known to be pathogenic (PMID: 14991055).

Literature cited by the submitters: PubMed 14991055.